The following is an entry in ClinVar:

ClinVar aggregate classification (germline): Uncertain significance (1 of 4 stars; one submission).

Conditions:
Autosomal recessive limb-girdle muscular dystrophy type 2J (LGMDR10). Also called: Limb-girdle muscular dystrophy, type 2J; MUSCULAR DYSTROPHY, LIMB-GIRDLE, AUTOSOMAL RECESSIVE 10. Identifiers: Orphanet 140922, MedGen C1837342, MONDO:0012127, OMIM 608807.
Dilated cardiomyopathy 1G (CMD1G). Identifiers: Orphanet 154, MedGen C1858763, MONDO:0011400, OMIM 604145.

Submission:

Labcorp Genetics (formerly Invitae), Labcorp
Classification: Uncertain significance for Dilated cardiomyopathy 1G; Autosomal recessive limb-girdle muscular dystrophy type 2J. Last evaluated: 2025-11-09. Review status: criteria provided, single submitter. Criteria: Invitae Variant Classification Sherloc (09022015). Collection method: clinical testing. Allele origin: germline.
Comment: This sequence change replaces histidine, which is basic and polar, with tyrosine, which is neutral and polar, at codon 34284 of the TTN protein (p.His34284Tyr). This variant is not present in population databases (gnomAD no frequency). This variant has not been reported in the literature in individuals affected with TTN-related conditions. Experimental studies and prediction algorithms are not available or were not evaluated, and the functional significance of this variant is currently unknown. In summary, the available evidence is currently insufficient to determine the role of this variant in disease. Therefore, it has been classified as a Variant of Uncertain Significance.

NM_001267550.2(TTN):c.102850C>T (p.His34284Tyr)

Genes: TTN-AS1 (TTN antisense RNA 1; plus strand), TTN (titin; minus strand). Cytogenetic location: 2q31.2.
Variant type: single nucleotide variant.
Coding change: c.102850C>T on transcript NM_001267550.2 (MANE Select); coding-DNA position 102850, C replaced by T.
Protein change: p.His34284Tyr; replaces histidine 34284 with tyrosine.
Molecular consequence: missense variant.
Genome position (GRCh38, 1-based): chr2:178,533,765, G>A on the plus strand (C>T on the coding strand, the complement: TTN is on the minus strand). VCF-style: chr2-178533765-G-A. GRCh37 (hg19) VCF-style: chr2-179398492-G-A.
Other names: c.97927C>T, p.His32643Tyr (NM_001256850.1); c.75655C>T, p.His25219Tyr (NM_003319.4); c.95146C>T, p.His31716Tyr (NM_133378.4); c.76030C>T, p.His25344Tyr (NM_133432.3); c.76231C>T, p.His25411Tyr (NM_133437.4); short protein forms H25344Y, H31716Y, H25219Y, H25411Y, H34284Y, H32643Y.
Identifiers: ClinVar variation 4786641 (VCV004786641.1).
Genomic context (GRCh38, chr2:178,533,765, plus strand): 5'-CATTGTCACCTGGTTTGATTTTCTGACCTGATTTATACCATGTTACATGAGGCTCTGGGT[G>A]GACAGTTATAGTTACTCCAAACCGGACATTTTCACCTACATAAGCTGTCTTATTATAGAG-3'
Protein context (NP_001254479.2, residues 34274-34294): NVRFGVTITV[His34284Tyr]PEPHVTWYKS